The following continues an entry in ClinVar:

NM_000059.4(BRCA2):c.10095delinsGAATTATATCT (p.Ser3366fs)

Gene: BRCA2. ClinVar aggregate classification (germline): Conflicting classifications of pathogenicity. Uncertain significance (3); Benign (4); Likely benign (7).

Submission 22 of 22:

Department of Pathology and Laboratory Medicine, Sinai Health System
Classification: Likely benign. Review status: no assertion criteria provided. Collection method: clinical testing. Allele origin: unknown. Affected: yes. Study: The Canadian Open Genetics Repository (COGR). Not counted in ClinVar's aggregate classification.
Comment: The BRCA2 p.Ser3366Asnfs*4 variant was identified in 19 of 9215 proband chromosomes (frequency: 0.002) from individuals or families with pancreatic and hereditary breast and ovarian cancer and identified in 1 of 490 chromosomes (frequency: 0.002) from healthy individuals (Borg 2010, Hahn 2003, Koczowska 2016, Wojcik 2016, Ratajska 2008, Balabas 2010, Houdayer 2012, Meindl 2002, Kim 2005, Thomassen 2008, Machakova 2008, Stegel 2011). The variant was identified in ClinVar (classified as benign by Ambry Genetics, BIC, Integrated Genetics, and 2 other submitters, uncertain significance by PreventionGenetics, Western University and 2 other submitters and likely benign by Invitae, Pathway Genomics and 1 other submitter), LOVD 3.0 (observed 1x), UMD-LSDB (observed 25x) .The variant was not identified in dbSNP, Exome Aggregation Consortium (August 8th 2016), or the Genome Aggregation Database (Feb 27, 2017). In UMD-LSDB, the variant was observed in samples with co-occurring pathogenic BRCA1 variants (c.2959A>T p.Lys987*, c.1171G>T p.Glu391*). Additionally, the variant had no observed effect on both BRCA2 mRNA expression and in vitro splicing (Stordal 2013, Houdayer 2012). The c.10095delinsGAATTATATCT variant is predicted to cause a frameshift, which alters the protein's amino acid sequence beginning at codon 3366 and leads to a premature stop codon at position 3369. This alteration is then predicted to result in a truncated or absent protein. Truncations downstream of the Lys3326 residue are predicted to retain the biological functions of BRCA2 and are not believed to be pathogenic, however this has not been tested experimentally (Borg 2010, Negura 2012). In summary, based on the above information the clinical significance of this variant cannot be determined with certainty at this time although we would lean towards a more benign role for this variant. This variant is classified as likely benign.

Literature cited by the submitters: PubMed 12569143 (cited by 3 submitters); PubMed 21232165 (cited by Quest Diagnostics Nichols Institute San Juan Capistrano and Women's Health and Genetics/Laboratory Corporation of America, LabCorp); PubMed 20104584 (cited by 3 submitters); PubMed 24312913 (cited by Quest Diagnostics Nichols Institute San Juan Capistrano); PubMed 18097605 (cited by 3 submitters); PubMed 25859162 (cited by Quest Diagnostics Nichols Institute San Juan Capistrano and Women's Health and Genetics/Laboratory Corporation of America, LabCorp); PubMed 27167707 (cited by Quest Diagnostics Nichols Institute San Juan Capistrano); PubMed 18844490 (cited by Quest Diagnostics Nichols Institute San Juan Capistrano and Women's Health and Genetics/Laboratory Corporation of America, LabCorp); PubMed 28324225 (cited by Quest Diagnostics Nichols Institute San Juan Capistrano); PubMed 26898890 (cited by Quest Diagnostics Nichols Institute San Juan Capistrano and Dr. Peter K. Rogan Lab, Western University); PubMed 32772980 (cited by Quest Diagnostics Nichols Institute San Juan Capistrano); PubMed 15635067 (cited by Women's Health and Genetics/Laboratory Corporation of America, LabCorp); PubMed 25111659 (cited by Women's Health and Genetics/Laboratory Corporation of America, LabCorp); PubMed 22505045 (cited by Women's Health and Genetics/Laboratory Corporation of America, LabCorp); PubMed 18465347 (cited by Women's Health and Genetics/Laboratory Corporation of America, LabCorp); PubMed 18489799 (cited by Women's Health and Genetics/Laboratory Corporation of America, LabCorp); PubMed 11802209 (cited by Women's Health and Genetics/Laboratory Corporation of America, LabCorp).